The following is an entry in ClinVar:

ClinVar aggregate classification (germline): Uncertain significance (1 of 4 stars; one submission).

Submission:

Labcorp Genetics (formerly Invitae), Labcorp
Classification: Uncertain significance. Last evaluated: 2024-01-08. Review status: criteria provided, single submitter. Criteria: Invitae Variant Classification Sherloc (09022015). Collection method: clinical testing. Allele origin: germline.
Comment: This sequence change replaces proline, which is neutral and non-polar, with serine, which is neutral and polar, at codon 824 of the KCNH1 protein (p.Pro824Ser). This variant is not present in population databases (gnomAD no frequency). This variant has not been reported in the literature in individuals affected with KCNH1-related conditions. ClinVar contains an entry for this variant (Variation ID: 1348486). Advanced modeling of protein sequence and biophysical properties (such as structural, functional, and spatial information, amino acid conservation, physicochemical variation, residue mobility, and thermodynamic stability) performed at Invitae indicates that this missense variant is not expected to disrupt KCNH1 protein function with a negative predictive value of 95%. In summary, the available evidence is currently insufficient to determine the role of this variant in disease. Therefore, it has been classified as a Variant of Uncertain Significance.

NM_172362.3(KCNH1):c.2470C>T (p.Pro824Ser)

Gene: KCNH1 (potassium voltage-gated channel subfamily H member 1; minus strand). Cytogenetic location: 1q32.2.
Variant type: single nucleotide variant.
Coding change: c.2470C>T on transcript NM_172362.3 (MANE Select); coding-DNA position 2470, C replaced by T.
Protein change: p.Pro824Ser; replaces proline 824 with serine.
Molecular consequence: missense variant.
Genome position (GRCh38, 1-based): chr1:210,683,781, G>A on the plus strand (C>T on the coding strand, the complement: KCNH1 is on the minus strand). VCF-style: chr1-210683781-G-A. GRCh37 (hg19) VCF-style: chr1-210857123-G-A.
Other names: c.2389C>T, p.Pro797Ser (NM_002238.4); short protein forms P824S, P797S.
Identifiers: ClinVar variation 1348486 (VCV001348486.8), dbSNP rs749522955, ClinGen allele CA344871120.